The following is an entry in ClinVar:

ClinVar aggregate classification (germline): Uncertain significance (1 of 4 stars; one submission).

Allele frequency attached by ClinVar (database versions not stated): TOPMed below 0.00001; gnomAD 0.00001.
gnomAD v4.1: 2 of 1,569,638 alleles (0.00013%); highest among the groups gnomAD compares: African/African-American, 0.0013%; no homozygotes.

Submission:

Labcorp Genetics (formerly Invitae), Labcorp
Classification: Uncertain significance. Last evaluated: 2022-07-22. Review status: criteria provided, single submitter. Criteria: Invitae Variant Classification Sherloc (09022015). Collection method: clinical testing. Allele origin: germline.
Comment: This sequence change replaces lysine, which is basic and polar, with glutamic acid, which is acidic and polar, at codon 33 of the PIGB protein (p.Lys33Glu). This variant is not present in population databases (gnomAD no frequency). This variant has not been reported in the literature in individuals affected with PIGB-related conditions. Algorithms developed to predict the effect of missense changes on protein structure and function are either unavailable or do not agree on the potential impact of this missense change (SIFT: "Deleterious"; PolyPhen-2: "Benign"; Align-GVGD: "Class C0"). In summary, the available evidence is currently insufficient to determine the role of this variant in disease. Therefore, it has been classified as a Variant of Uncertain Significance.

NM_004855.5(PIGB):c.97A>G (p.Lys33Glu)

Gene: PIGB (phosphatidylinositol glycan anchor biosynthesis class B; plus strand). Cytogenetic location: 15q21.3.
Variant type: single nucleotide variant.
Coding change: c.97A>G on transcript NM_004855.5 (MANE Select); coding-DNA position 97, A replaced by G.
Protein change: p.Lys33Glu; replaces lysine 33 with glutamic acid.
Molecular consequence: missense variant.
Genome position (GRCh38, 1-based): chr15:55,319,347, A>G. VCF-style: chr15-55319347-A-G. GRCh37 (hg19) VCF-style: chr15-55611545-A-G.
Other names: short protein forms K33E.
Identifiers: ClinVar variation 1912677 (VCV001912677.2), dbSNP rs2055107910, ClinGen allele CA392540995.